The following is an entry in ClinVar:

ClinVar aggregate classification (germline): Pathogenic. Review status: criteria provided, multiple submitters, no conflicts (2 of 4 stars). 4 submissions from 4 submitters: Pathogenic (4). Last evaluated 2025-08-04.

Conditions:
Autosomal recessive limb-girdle muscular dystrophy. Identifiers: Orphanet 102015, MedGen C2931907, MONDO:0015152.
Autosomal recessive limb-girdle muscular dystrophy type 2A (LGMDR1). Also called: LEYDEN-MOEBIUS MUSCULAR DYSTROPHY; MUSCULAR DYSTROPHY, PELVOFEMORAL; Muscular dystrophy, limb-girdle, type 2A, Amish; Calpainopathy; Limb-girdle muscular dystrophy, type 2A. Identifiers: Orphanet 267, MedGen C1869123, MONDO:0009675, OMIM 253600. Disease mechanism: loss of function.
Muscular dystrophy, limb-girdle, autosomal dominant 4. Also called: Calpain-3-related limb-girdle muscular dystrophy D4; MUSCULAR DYSTROPHY, LIMB-GIRDLE, TYPE 1I. Identifiers: Orphanet 565909, MedGen C4748295, MONDO:0029133, OMIM 618129.

Allele frequency attached by ClinVar (database versions not stated): TOPMed below 0.00001; gnomAD 0.00001.

Submissions (4):

Labcorp Genetics (formerly Invitae), Labcorp
Classification: Pathogenic for Autosomal recessive limb-girdle muscular dystrophy type 2A. Last evaluated: 2025-08-04. Review status: criteria provided, single submitter. Criteria: Invitae Variant Classification Sherloc (09022015). Collection method: clinical testing. Allele origin: germline.
Comment: This sequence change replaces methionine, which is neutral and non-polar, with arginine, which is basic and polar, at codon 248 of the CAPN3 protein (p.Met248Arg). This variant is present in population databases (rs777829958, gnomAD 0.0009%). This missense change has been observed in individuals with clinical features of autosomal recessive CAPN3-related conditions (PMID: 12461690, 16650086, 30919934; internal data). ClinVar contains an entry for this variant (Variation ID: 1325397). Invitae Evidence Modeling of protein sequence and biophysical properties (such as structural, functional, and spatial information, amino acid conservation, physicochemical variation, residue mobility, and thermodynamic stability) indicates that this missense variant is expected to disrupt CAPN3 protein function with a positive predictive value of 80%. Studies have shown that this missense change alters mRNA splicing and is expected to lead to the loss of protein expression (PMID: 32668095). For these reasons, this variant has been classified as Pathogenic.

Fulgent Genetics
Classification: Pathogenic for Autosomal recessive limb-girdle muscular dystrophy type 2A; Muscular dystrophy, limb-girdle, autosomal dominant 4. Last evaluated: 2024-03-28. Review status: criteria provided, single submitter. Criteria: ACMG Guidelines, 2015. Collection method: clinical testing. Allele origin: germline.

Women's Health and Genetics/Laboratory Corporation of America, LabCorp
Classification: Pathogenic for Autosomal recessive limb-girdle muscular dystrophy. Last evaluated: 2023-12-08. Review status: criteria provided, single submitter. Criteria: LabCorp Variant Classification Summary - May 2015. Collection method: clinical testing. Allele origin: germline.
Comment: Variant summary: CAPN3 c.743T>G (p.Met248Arg) results in a non-conservative amino acid change in the encoded protein sequence. Four of five in-silico tools predict a damaging effect of the variant on protein function. Several computational tools predict a significant impact on normal splicing: Four predict the variant creates a cryptic 5' splicing donor site. At least one publication reports experimental evidence that this variant affects mRNA splicing (Dionnet_2020). The variant allele was found at a frequency of 4e-06 in 251430 control chromosomes (gnomAD). c.743T>G has been reported in the literature in multiple individuals affected with Limb-Girdle Muscular Dystrophy, Autosomal Recessive (e.g. de Paula_2002, Ten Dam_2019). These data indicate that the variant is very likely to be associated with disease. The following publications have been ascertained in the context of this evaluation (PMID: 12461690, 30919934, 32668095). Two submitters have cited clinical-significance assessments for this variant to ClinVar after 2014. Both submitters classified the variant as pathogenic. Based on the evidence outlined above, the variant was classified as pathogenic.

Revvity Omics, Revvity
Classification: Pathogenic. Last evaluated: 2020-05-26. Review status: criteria provided, single submitter. Criteria: ACMG Guidelines, 2015. Collection method: clinical testing. Allele origin: germline.

Literature cited by the submitters: PubMed 12461690 (cited by Labcorp Genetics (formerly Invitae), Labcorp and Women's Health and Genetics/Laboratory Corporation of America, LabCorp); PubMed 16650086 (cited by Labcorp Genetics (formerly Invitae), Labcorp); PubMed 30919934 (cited by Labcorp Genetics (formerly Invitae), Labcorp and Women's Health and Genetics/Laboratory Corporation of America, LabCorp); PubMed 32668095 (cited by Labcorp Genetics (formerly Invitae), Labcorp and Women's Health and Genetics/Laboratory Corporation of America, LabCorp).

NM_000070.3(CAPN3):c.743T>G (p.Met248Arg)

Gene: CAPN3 (calpain 3; plus strand). Cytogenetic location: 15q15.1.
Variant type: single nucleotide variant.
Coding change: c.743T>G on transcript NM_000070.3 (MANE Select); coding-DNA position 743, T replaced by G.
Protein change: p.Met248Arg; replaces methionine 248 with arginine.
Molecular consequence: missense variant.
Genome position (GRCh38, 1-based): chr15:42,389,038, T>G. VCF-style: chr15-42389038-T-G. GRCh37 (hg19) VCF-style: chr15-42681236-T-G.
Other names: c.743T>G, p.Met248Arg (NM_024344.2, NM_173087.2); short protein forms M248R.
Identifiers: ClinVar variation 1325397 (VCV001325397.10), dbSNP rs777829958, ClinGen allele CA7511100.